The following is an entry in ClinVar:

NM_015102.5(NPHP4):c.3817-10G>A

Gene: NPHP4 (nephrocystin 4; minus strand). Cytogenetic location: 1p36.31.
Variant type: single nucleotide variant.
Coding change: c.3817-10G>A on transcript NM_015102.5 (MANE Select); 10 bases into the intron before coding-DNA position 3817, G replaced by A.
Molecular consequence: intron variant.
Genome position (GRCh38, 1-based): chr1:5,864,527, C>T on the plus strand (G>A on the coding strand, the complement: NPHP4 is on the minus strand). VCF-style: chr1-5864527-C-T. GRCh37 (hg19) VCF-style: chr1-5924587-C-T.
Other names: c.3817-10G>A (NM_015102.4); c.2281-10G>A (NM_001291594.2); c.2278-10G>A (NM_001291593.2).
Identifiers: ClinVar variation 2187697 (VCV002187697.5), dbSNP rs1248757752, ClinGen allele CA520737227.
Genomic context (GRCh38, chr1:5,864,527, plus strand): 5'-CAGGTCCTGCACCCCACGAGGCGGCAGCACGAAGACACCTTTGGGGTCTGTCTTCAAGAG[C>T]GAGAGAGGCGGGTCAGAGCACAGCCTCTCAGGATGTGCAAGCAAGGGGCTCCTGGGCGCC-3'

ClinVar aggregate classification (germline): Likely benign. Review status: criteria provided, multiple submitters, no conflicts (2 of 4 stars). 2 submissions from 2 submitters: Likely benign (2). Last evaluated 2025-10-09.

Conditions:
NPHP4-related disorder. Also called: NPHP4-related disorders; NPHP4-related condition. Identifiers: MedGen CN239384.
Nephronophthisis. Also called: Juvenile Nephronophthisis. Identifiers: Orphanet 655, MedGen C0687120, MONDO:0019005, HP:0000090.

Allele frequency attached by ClinVar (database versions not stated): gnomAD exomes below 0.00001; TOPMed below 0.00001; gnomAD 0.00001.
gnomAD v4.1: 5 of 1,535,366 alleles (0.00033%); highest among the groups gnomAD compares: Admixed American, 0.002%; no homozygotes.

Submissions (2):

PreventionGenetics, part of Exact Sciences
Classification: Likely benign for NPHP4-related condition. Last evaluated: 2025-10-09. Review status: criteria provided, single submitter. Criteria: ACMG Guidelines, 2015. Collection method: clinical testing. Allele origin: germline.
Comment: This variant is classified as likely benign based on ACMG/AMP sequence variant interpretation guidelines (Richards et al. 2015 PMID: 25741868, with internal and published modifications).

Labcorp Genetics (formerly Invitae), Labcorp
Classification: Likely benign for Nephronophthisis. Last evaluated: 2022-04-17. Review status: criteria provided, single submitter. Criteria: Invitae Variant Classification Sherloc (09022015). Collection method: clinical testing. Allele origin: germline.